The following is an entry in ClinVar:

ClinVar aggregate classification (germline): Uncertain significance (1 of 4 stars; one submission).

Allele frequency attached by ClinVar (database versions not stated): gnomAD 0.00002; ESP Exome Variant Server 0.00008.
gnomAD v4.1: 11 of 1,609,734 alleles (0.00068%); highest among the groups gnomAD compares: African/African-American, 0.004%; no homozygotes.

Submission:

Labcorp Genetics (formerly Invitae), Labcorp
Classification: Uncertain significance. Last evaluated: 2022-03-23. Review status: criteria provided, single submitter. Criteria: Invitae Variant Classification Sherloc (09022015). Collection method: clinical testing. Allele origin: germline.
Comment: This sequence change replaces arginine, which is basic and polar, with tryptophan, which is neutral and slightly polar, at codon 932 of the HPS3 protein (p.Arg932Trp). This variant is present in population databases (rs374197403, gnomAD 0.008%). This variant has not been reported in the literature in individuals affected with HPS3-related conditions. Algorithms developed to predict the effect of missense changes on protein structure and function output the following: SIFT: "Tolerated"; PolyPhen-2: "Probably Damaging"; Align-GVGD: "Class C0". The tryptophan amino acid residue is found in multiple mammalian species, which suggests that this missense change does not adversely affect protein function. In summary, the available evidence is currently insufficient to determine the role of this variant in disease. Therefore, it has been classified as a Variant of Uncertain Significance.

NM_032383.5(HPS3):c.2794C>T (p.Arg932Trp)

Genes: CP (ceruloplasmin; minus strand), HPS3 (HPS3 biogenesis of lysosomal organelles complex 2 subunit 1; plus strand). Cytogenetic location: 3q24.
Variant type: single nucleotide variant.
Coding change: c.2794C>T on transcript NM_032383.5 (MANE Select); coding-DNA position 2794, C replaced by T.
Protein change: p.Arg932Trp; replaces arginine 932 with tryptophan.
Molecular consequence: missense variant.
Genome position (GRCh38, 1-based): chr3:149,167,238, C>T. VCF-style: chr3-149167238-C-T. GRCh37 (hg19) VCF-style: chr3-148885025-C-T.
Other names: c.2299C>T, p.Arg767Trp (NM_001308258.2); short protein forms R767W, R932W.
Identifiers: ClinVar variation 1360496 (VCV001360496.6), dbSNP rs374197403, ClinGen allele CA2660460.